The following is an entry in ClinVar:

NM_000256.3(MYBPC3):c.1466A>G (p.Asp489Gly)

Gene: MYBPC3 (myosin binding protein C3; minus strand). Cytogenetic location: 11p11.2.
Variant type: single nucleotide variant.
Coding change: c.1466A>G on transcript NM_000256.3 (MANE Select); coding-DNA position 1466, A replaced by G.
Protein change: p.Asp489Gly; replaces aspartic acid 489 with glycine.
Molecular consequence: missense variant.
Genome position (GRCh38, 1-based): chr11:47,342,736, T>C on the plus strand (A>G on the coding strand, the complement: MYBPC3 is on the minus strand). VCF-style: chr11-47342736-T-C. GRCh37 (hg19) VCF-style: chr11-47364287-T-C.
Other names: short protein forms D489G.
Identifiers: ClinVar variation 3894424 (VCV003894424.1).
Genomic context (GRCh38, chr11:47,342,736, plus strand): 5'-CTCTGCCCGTCCTTCTTGAACCGGTATTTGAAGGTCTCCTCCCGGGTCAGCTCCACCCCG[T>C]CCTTCAGCCTAGCCGGGTGGGTGGGTGGCAAGTGCTGTGGCCTCTTCTGGGCAGATGCCC-3'
Protein context (NP_000247.2, residues 479-499): EEGAQVKWLK[Asp489Gly]GVELTREETF

ClinVar aggregate classification (germline): Uncertain significance (1 of 4 stars; one submission).

Conditions:
Cardiomyopathy (CMYO). Also called: Cardiomyopathies. Identifiers: Orphanet 167848, MedGen C0878544, MONDO:0004994, HP:0001638. Inheritance: Various modes of inheritance.

Submission:

Color Diagnostics, LLC DBA Color Health
Classification: Uncertain significance for Cardiomyopathy. Last evaluated: 2024-01-02. Review status: criteria provided, single submitter. Criteria: ACMG Guidelines, 2015. Collection method: clinical testing. Allele origin: germline.
Comment: This missense variant replaces aspartic acid with glycine at codon 489 of the MYBPC3 protein. Computational prediction suggests that this variant may have deleterious impact on protein structure and function (internally defined REVEL score threshold >= 0.7, PMID: 27666373). To our knowledge, functional studies have not been reported for this variant. This variant has not been reported in individuals affected with MYBPC3-related disorders in the literature. This variant has not been identified in the general population by the Genome Aggregation Database (gnomAD). The available evidence is insufficient to determine the role of this variant in disease conclusively. Therefore, this variant is classified as a Variant of Uncertain Significance.